The following is an entry in ClinVar:

NM_022370.4(ROBO3):c.3922G>A (p.Val1308Met)

Gene: ROBO3 (roundabout guidance receptor 3; plus strand). Cytogenetic location: 11q24.2.
Variant type: single nucleotide variant.
Coding change: c.3922G>A on transcript NM_022370.4 (MANE Select); coding-DNA position 3922, G replaced by A.
Protein change: p.Val1308Met; replaces valine 1308 with methionine.
Molecular consequence: missense variant. On other transcripts: non-coding transcript variant (7).
Genome position (GRCh38, 1-based): chr11:124,879,912, G>A. VCF-style: chr11-124879912-G-A. GRCh37 (hg19) VCF-style: chr11-124749808-G-A.
Other names: c.1069G>A, p.Val357Met (NM_001370356.1, NM_001370357.1, NM_001370358.1 and 2 more transcripts); c.874G>A, p.Val292Met (NM_001370364.1, NM_001370366.1); short protein forms V1308M, V357M, V292M.
Identifiers: ClinVar variation 303278 (VCV000303278.8), dbSNP rs752717878, ClinGen allele CA6344324.

ClinVar aggregate classification (germline): Conflicting classifications of pathogenicity. Review status: criteria provided, conflicting classifications (1 of 4 stars). 3 submissions from 3 submitters: Uncertain significance (2); Likely benign (1). Last evaluated 2025-04-13.

Conditions:
Inborn genetic diseases. Identifiers: MedGen C0950123, MeSH D030342.
ROBO3-related disorder. Also called: ROBO3-related condition.
Gaze palsy, familial horizontal, with progressive scoliosis 1 (HGPPS1). Identifiers: Orphanet 2744, MedGen C4551964, MONDO:0020790, OMIM 607313.

Allele frequency attached by ClinVar (database versions not stated): gnomAD exomes 0.00004; ExAC 0.00006; gnomAD 0.00006 and 0.00008; TOPMed 0.00008.

Submissions (3):

PreventionGenetics, part of Exact Sciences
Classification: Uncertain significance for ROBO3-related condition. Last evaluated: 2025-04-13. Review status: criteria provided, single submitter. Criteria: ACMG Guidelines, 2015. Collection method: clinical testing. Allele origin: germline.
Comment: The ROBO3 c.3922G>A variant is predicted to result in the amino acid substitution p.Val1308Met. To our knowledge, this variant has not been reported in the literature in individuals with ROBO3-related disease. This variant is reported in 0.032% of alleles in individuals of African descent in gnomAD. At this time, the clinical significance of this variant is uncertain due to the absence of conclusive functional and genetic evidence.

Ambry Genetics
Classification: Likely benign for Inborn genetic diseases. Last evaluated: 2021-09-01. Review status: criteria provided, single submitter. Criteria: Ambry Variant Classification Scheme 2023. Collection method: clinical testing. Allele origin: germline.

Illumina Laboratory Services, Illumina
Classification: Uncertain significance for Gaze palsy, familial horizontal, with progressive scoliosis 1. Last evaluated: 2018-01-13. Review status: criteria provided, single submitter. Criteria: ICSL Variant Classification Criteria 13 December 2019. Collection method: clinical testing. Allele origin: germline.